The following is an entry in ClinVar:

ClinVar aggregate classification (germline): Uncertain significance (1 of 4 stars; one submission).

Submission:

Women's Health and Genetics/Laboratory Corporation of America, LabCorp
Classification: Uncertain significance. Last evaluated: 2024-10-15. Review status: criteria provided, single submitter. Criteria: LabCorp Variant Classification Summary - May 2015. Collection method: clinical testing. Allele origin: germline.
Comment: Variant summary: COL4A4 c.3515G>A (p.Gly1172Glu) results in a non-conservative amino acid change in the encoded protein sequence. Five of five in-silico tools predict a damaging effect of the variant on protein function. The variant was absent in 248608 control chromosomes. The available data on variant occurrences in the general population are insufficient to allow any conclusion about variant significance. To our knowledge, no occurrence of c.3515G>A in individuals affected with Alport Syndrome, Autosomal Recessive and no experimental evidence demonstrating its impact on protein function have been reported. No submitters have cited clinical-significance assessments for this variant to ClinVar. Based on the evidence outlined above, the variant was classified as uncertain significance.

NM_000092.5(COL4A4):c.3515G>A (p.Gly1172Glu)

Gene: COL4A4 (collagen type IV alpha 4 chain; minus strand). Cytogenetic location: 2q36.3.
Variant type: single nucleotide variant.
Coding change: c.3515G>A on transcript NM_000092.5 (MANE Select); coding-DNA position 3515, G replaced by A.
Protein change: p.Gly1172Glu; replaces glycine 1172 with glutamic acid.
Molecular consequence: missense variant.
Genome position (GRCh38, 1-based): chr2:227,033,472, C>T on the plus strand (G>A on the coding strand, the complement: COL4A4 is on the minus strand). VCF-style: chr2-227033472-C-T. GRCh37 (hg19) VCF-style: chr2-227898188-C-T.
Other names: short protein forms G1172E.
Identifiers: ClinVar variation 3385294 (VCV003385294.1).
Genomic context (GRCh38, chr2:227,033,472, plus strand): 5'-GAAGCACCTTTAGTTCCTTTCTGACCTTTCAATCCATGCAAGCCGTTCAGGCCAGGTGAT[C>T]CGGAGGGACCTGAAAAACACCACAGGCCTGTGACCCAAAGGAAGACCAGCCACCGGTACT-3'
Protein context (NP_000083.3, residues 1162-1182): PGPPGIKGPS[Gly1172Glu]SPGLNGLHGL